The following is an entry in ClinVar:

NM_001379500.1(COL18A1):c.1155C>T (p.Val385=)

Gene: COL18A1 (collagen type XVIII alpha 1 chain; plus strand). Cytogenetic location: 21q22.3.
Variant type: single nucleotide variant.
Coding change: c.1155C>T on transcript NM_001379500.1 (MANE Select); coding-DNA position 1155, C replaced by T.
Protein change: p.Val385=; no amino-acid change (valine 385 retained).
Molecular consequence: synonymous variant.
Genome position (GRCh38, 1-based): chr21:45,477,899, C>T. VCF-style: chr21-45477899-C-T. GRCh37 (hg19) VCF-style: chr21-46897813-C-T.
Other names: NM_130445.2:c.1155C>T; c.1695C>T, p.Val565= (NM_030582.4); c.2400C>T, p.Val800= (NM_130444.3).
Identifiers: ClinVar variation 898135 (VCV000898135.13), dbSNP rs761020121, ClinGen allele CA10066086.

ClinVar aggregate classification (germline): Likely benign. Review status: criteria provided, multiple submitters, no conflicts (2 of 4 stars). 4 submissions from 4 submitters: Likely benign (4). Last evaluated 2025-12-08.

Conditions:
Knobloch syndrome (KNO). Also called: RETINAL DETACHMENT AND OCCIPITAL ENCEPHALOCELE; Myopia retinal detachment encephalocele. Identifiers: Orphanet 1571, MedGen C1849409, MONDO:0800166.

Allele frequency attached by ClinVar (database versions not stated): gnomAD 0.00019 and 0.00021; gnomAD exomes 0.00020 and 0.00024; TOPMed 0.00030; ExAC 0.00035.
gnomAD v4.1: 321 of 1,564,300 alleles (0.021%); highest among the groups gnomAD compares: Middle Eastern, 0.05%; 1 homozygote.

Submissions (4):

Labcorp Genetics (formerly Invitae), Labcorp
Classification: Likely benign. Last evaluated: 2025-12-08. Review status: criteria provided, single submitter. Criteria: Invitae Variant Classification Sherloc (09022015). Collection method: clinical testing. Allele origin: germline.

Blueprint Genetics
Classification: Likely benign. Last evaluated: 2024-11-23. Review status: criteria provided, single submitter. Criteria: ACMG Guidelines, 2015. Collection method: clinical testing. Allele origin: germline.

Illumina Laboratory Services, Illumina
Classification: Likely benign for Knobloch syndrome 1. Last evaluated: 2018-01-12. Review status: criteria provided, single submitter. Criteria: ICSL Variant Classification Criteria 13 December 2019. Collection method: clinical testing. Allele origin: germline.
Comment: This variant was observed in the ICSL laboratory as part of a predisposition screen in an ostensibly healthy population. It had not been previously curated by ICSL or reported in the Human Gene Mutation Database (HGMD: prior to June 1st, 2018), and was therefore a candidate for classification through an automated scoring system. Utilizing variant allele frequency, disease prevalence and penetrance estimates, and inheritance mode, an automated score was calculated to assess if this variant is too frequent to cause the disease. Based on the score and internal cut-off values, a variant classified as likely benign is not then subjected to further curation. The score for this variant resulted in a classification of likely benign for this disease.

Breakthrough Genomics
Classification: Likely benign. Review status: criteria provided, single submitter. Criteria: ACMG Guidelines, 2015. Collection method: not provided. Allele origin: germline. Inheritance: Autosomal recessive inheritance. Affected: yes.